The following is an entry in ClinVar:

ClinVar aggregate classification (germline): Benign/Likely benign. Review status: criteria provided, multiple submitters, no conflicts (2 of 4 stars). 3 submissions from 3 submitters: Benign (1); Likely benign (2). Last evaluated 2024-10-03.

Conditions:
Familial cancer of breast. Also called: Hereditary breast cancer; hereditary breast carcinoma; BREAST CANCER, FAMILIAL. Identifiers: Orphanet 227535, MedGen C0346153, MONDO:0016419, OMIM 114480. Disease mechanism: loss of function.
Hereditary cancer-predisposing syndrome. Also called: Tumor predisposition; Neoplastic Syndromes, Hereditary; Hereditary neoplastic syndrome; Hereditary Cancer Syndrome. Identifiers: Orphanet 140162, MedGen C0027672, MeSH D009386, MONDO:0015356.

Allele frequency attached by ClinVar (database versions not stated): gnomAD exomes below 0.00001.
gnomAD v4.1: 4 of 1,558,220 alleles (0.00026%); highest among the groups gnomAD compares: East Asian, 0.009%; no homozygotes.

Submissions (3):

Myriad Genetics, Inc.
Classification: Benign for Familial cancer of breast. Last evaluated: 2024-10-03. Review status: criteria provided, single submitter. Criteria: Myriad Autosomal Dominant, Autosomal Recessive and X-Linked Classification Criteria (2023). Collection method: clinical testing. Allele origin: unknown.
Comment: This variant is considered benign. This variant is a silent/synonymous amino acid change and it is not expected to impact splicing.

Labcorp Genetics (formerly Invitae), Labcorp
Classification: Likely benign for Familial cancer of breast. Last evaluated: 2019-03-07. Review status: criteria provided, single submitter. Criteria: Invitae Variant Classification Sherloc (09022015). Collection method: clinical testing. Allele origin: germline.

Ambry Genetics
Classification: Likely benign for Hereditary cancer-predisposing syndrome. Last evaluated: 2018-05-29. Review status: criteria provided, single submitter. Criteria: Ambry Variant Classification Scheme 2023. Collection method: clinical testing. Allele origin: germline.

NM_007194.4(CHEK2):c.849T>G (p.Pro283=)

Gene: CHEK2 (checkpoint kinase 2; minus strand). Cytogenetic location: 22q12.1.
Variant type: single nucleotide variant.
Coding change: c.849T>G on transcript NM_007194.4 (MANE Select); coding-DNA position 849, T replaced by G.
Protein change: p.Pro283=; no amino-acid change (proline 283 retained).
Molecular consequence: synonymous variant.
Genome position (GRCh38, 1-based): chr22:28,703,564, A>C on the plus strand (T>G on the coding strand, the complement: CHEK2 is on the minus strand). VCF-style: chr22-28703564-A-C. GRCh37 (hg19) VCF-style: chr22-29099552-A-C.
Other names: c.978T>G, p.Pro326= (NM_001005735.3); c.186T>G, p.Pro62= (NM_001257387.3); c.648T>G, p.Pro216= (NM_001349956.3); c.849T>G, p.Pro283= (NM_145862.3).
Identifiers: ClinVar variation 1152025 (VCV001152025.13), dbSNP rs2052982778, ClinGen allele CA513945095.